The following is an entry in ClinVar:

NM_014795.4(ZEB2):c.2275A>G (p.Arg759Gly)

Gene: ZEB2 (zinc finger E-box binding homeobox 2; minus strand). Cytogenetic location: 2q22.3.
Variant type: single nucleotide variant.
Coding change: c.2275A>G on transcript NM_014795.4 (MANE Select); coding-DNA position 2275, A replaced by G.
Protein change: p.Arg759Gly; replaces arginine 759 with glycine.
Molecular consequence: missense variant.
Genome position (GRCh38, 1-based): chr2:144,398,912, T>C on the plus strand (A>G on the coding strand, the complement: ZEB2 is on the minus strand). VCF-style: chr2-144398912-T-C. GRCh37 (hg19) VCF-style: chr2-145156479-T-C.
Other names: c.2203A>G, p.Arg735Gly (NM_001171653.2); short protein forms R735G, R759G.
Identifiers: ClinVar variation 841461 (VCV000841461.19), dbSNP rs748354087, ClinGen allele CA1898263.
Genomic context (GRCh38, chr2:144,398,912, plus strand): 5'-TGGAGTGGTCCAATTTTTCAACTGGTTTAATATTGGTAAAATGGGAAGGTTTTGTTAGCC[T>C]GAGAGGAGGATCACAATTCGTAACACTGTTGTGGAGTTCTGCTATAGATGGTGATGTTAT-3'
Protein context (NP_055610.1, residues 749-769): NSVTNCDPPL[Arg759Gly]LTKPSHFTNI

ClinVar aggregate classification (germline): Conflicting classifications of pathogenicity. Review status: criteria provided, conflicting classifications (1 of 4 stars). 5 submissions from 5 submitters: Uncertain significance (2); Likely benign (3). Last evaluated 2025-04-17.

Conditions:
Inborn genetic diseases. Identifiers: MedGen C0950123, MeSH D030342.
Mowat-Wilson syndrome (MOWS). Also called: Classic Mowat-Wilson Syndrome. Identifiers: Orphanet 2152, MedGen C1856113, MONDO:0009341, OMIM 235730.

Allele frequency attached by ClinVar (database versions not stated): ExAC 0.00002; TOPMed 0.00002; gnomAD exomes 0.00003; gnomAD 0.00005 and 0.00006.
gnomAD v4.1: 49 of 1,614,028 alleles (0.003%); highest among the groups gnomAD compares: Non-Finnish European, 0.0038%; no homozygotes.

Submissions (5):

Labcorp Genetics (formerly Invitae), Labcorp
Classification: Uncertain significance for Mowat-Wilson syndrome. Last evaluated: 2025-04-17. Review status: criteria provided, single submitter. Criteria: Invitae Variant Classification Sherloc (09022015). Collection method: clinical testing. Allele origin: germline.
Comment: This sequence change replaces arginine, which is basic and polar, with glycine, which is neutral and non-polar, at codon 759 of the ZEB2 protein (p.Arg759Gly). This variant is present in population databases (rs748354087, gnomAD 0.008%). This variant has not been reported in the literature in individuals affected with ZEB2-related conditions. ClinVar contains an entry for this variant (Variation ID: 841461). Invitae Evidence Modeling incorporating data from in vitro experimental studies (internal data) indicates that this missense variant is not expected to disrupt ZEB2 function with a negative predictive value of 95%. In summary, the available evidence is currently insufficient to determine the role of this variant in disease. Therefore, it has been classified as a Variant of Uncertain Significance.

Women's Health and Genetics/Laboratory Corporation of America, LabCorp
Classification: Uncertain significance. Last evaluated: 2023-07-06. Review status: criteria provided, single submitter. Criteria: LabCorp Variant Classification Summary - May 2015. Collection method: clinical testing. Allele origin: germline.
Comment: Variant summary: ZEB2 c.2275A>G (p.Arg759Gly) results in a non-conservative amino acid change in the encoded protein sequence. Three of five in-silico tools predict a damaging effect of the variant on protein function. The variant allele was found at a frequency of 3.2e-05 in 251398 control chromosomes. The available data on variant occurrences in the general population are insufficient to allow any conclusion about variant significance. To our knowledge, no occurrence of c.2275A>G in individuals affected with Mowat-Wilson Syndrome and no experimental evidence demonstrating its impact on protein function have been reported. Four submitters have cited clinical-significance assessments for this variant to ClinVar after 2014. Based on the evidence outlined above, the variant was classified as uncertain significance.

Genome-Nilou Lab
Classification: Likely benign for Mowat-Wilson syndrome. Last evaluated: 2021-11-07. Review status: criteria provided, single submitter. Criteria: ACMG Guidelines, 2015. Collection method: clinical testing. Allele origin: germline. Affected: no.

GeneDx
Classification: Likely benign. Last evaluated: 2021-08-26. Review status: criteria provided, single submitter. Criteria: GeneDx Variant Classification Process June 2021. Collection method: clinical testing. Allele origin: germline. Affected: yes.

Ambry Genetics
Classification: Likely benign for Inborn genetic diseases. Last evaluated: 2018-09-14. Review status: criteria provided, single submitter. Criteria: Ambry Variant Classification Scheme 2023. Collection method: clinical testing. Allele origin: germline.